The following is an entry in ClinVar:

ClinVar aggregate classification (germline): Conflicting classifications of pathogenicity. Review status: criteria provided, conflicting classifications (1 of 4 stars). 9 submissions from 9 submitters: Uncertain significance (5); Benign (1); Likely benign (3). Last evaluated 2026-01-21.

Conditions:
Collagen 6-related myopathy. Identifiers: MedGen CN117976, MONDO:0100225.
Bethlem myopathy 1A. Also called: Bethlem myopathy 1; Bethlem Muscular Dystrophy; MYOPATHY, BENIGN CONGENITAL, WITH CONTRACTURES. Identifiers: Orphanet 610, MedGen CN029274, MONDO:0024530, OMIM 158810.

Allele frequency attached by ClinVar (database versions not stated): 1000 Genomes Project 0.00020; TOPMed 0.00027; 1000 Genomes Project 30x 0.00031; gnomAD 0.00031 and 0.00033; ExAC 0.00036; ESP Exome Variant Server 0.00038; gnomAD exomes 0.00038 and 0.00050.
gnomAD v4.1: 772 of 1,614,186 alleles (0.048%); highest among the groups gnomAD compares: Non-Finnish European, 0.062%; 1 homozygote.

Submissions (9):

Labcorp Genetics (formerly Invitae), Labcorp
Classification: Likely benign for Bethlem myopathy 1A. Last evaluated: 2026-01-21. Review status: criteria provided, single submitter. Criteria: Invitae Variant Classification Sherloc (09022015). Collection method: clinical testing. Allele origin: germline.

Mayo Clinic Laboratories, Mayo Clinic
Classification: Uncertain significance. Last evaluated: 2025-11-07. Review status: criteria provided, single submitter. Criteria: ACMG Guidelines, 2015. Collection method: clinical testing. Allele origin: germline. Observed: 1 variant allele.
Comment: BP4

Blueprint Genetics
Classification: Likely benign. Last evaluated: 2024-11-19. Review status: criteria provided, single submitter. Criteria: ACMG Guidelines, 2015. Collection method: clinical testing. Allele origin: germline.

Women's Health and Genetics/Laboratory Corporation of America, LabCorp
Classification: Uncertain significance. Last evaluated: 2024-04-03. Review status: criteria provided, single submitter. Criteria: LabCorp Variant Classification Summary - May 2015. Collection method: clinical testing. Allele origin: germline.
Comment: Variant summary: COL6A3 c.776C>T (p.Ala259Val) results in a non-conservative amino acid change located in the von Willebrand factor, type A (IPR002035) of the encoded protein sequence. Three of five in-silico tools predict a benign effect of the variant on protein function. The variant allele was found at a frequency of 0.00038 in 249050 control chromosomes. To our knowledge, no occurrence of c.776C>T in individuals affected with Ullrich Congenital Muscular Dystrophy 1 and no experimental evidence demonstrating its impact on protein function have been reported. ClinVar contains an entry for this variant (Variation ID: 285050). Based on the evidence outlined above, the variant was classified as uncertain significance.

Revvity Omics, Revvity
Classification: Uncertain significance. Last evaluated: 2023-05-11. Review status: criteria provided, single submitter. Criteria: ACMG Guidelines, 2015. Collection method: clinical testing. Allele origin: germline.

CeGaT Center for Human Genetics Tuebingen
Classification: Likely benign. Last evaluated: 2022-12-01. Review status: criteria provided, single submitter. Criteria: CeGaT Center For Human Genetics Tuebingen Variant Classification Criteria Version 2. Collection method: clinical testing. Allele origin: germline. Affected: yes. Observed: 1 variant allele.
Comment: COL6A3: BP4

Eurofins Ntd Llc (ga)
Classification: Uncertain significance. Last evaluated: 2018-06-07. Review status: criteria provided, single submitter. Criteria: EGL ClinVar v180209 classification definitions. Collection method: clinical testing. Allele origin: germline. Observed: 5 variant alleles, 5 heterozygotes.

Illumina Laboratory Services, Illumina
Classification: Benign for Collagen VI-related myopathy. Last evaluated: 2018-01-13. Review status: criteria provided, single submitter. Criteria: ICSL Variant Classification Criteria 13 December 2019. Collection method: clinical testing. Allele origin: germline.
Comment: This variant was observed in the ICSL laboratory as part of a predisposition screen in an ostensibly healthy population. It had not been previously curated by ICSL or reported in the Human Gene Mutation Database (HGMD: prior to June 1st, 2018), and was therefore a candidate for classification through an automated scoring system. Utilizing variant allele frequency, disease prevalence and penetrance estimates, and inheritance mode, an automated score was calculated to assess if this variant is too frequent to cause the disease. Based on the score and internal cut-off values, a variant classified as benign is not then subjected to further curation. The score for this variant resulted in a classification of benign for this disease.

Genetic Services Laboratory, University of Chicago
Classification: Uncertain significance. Last evaluated: 2016-11-23. Review status: criteria provided, single submitter. Criteria: ACMG Guidelines, 2015. Collection method: clinical testing. Allele origin: germline. Affected: no.

NM_004369.4(COL6A3):c.776C>T (p.Ala259Val)

Gene: COL6A3 (collagen type VI alpha 3 chain; minus strand). Cytogenetic location: 2q37.3.
Variant type: single nucleotide variant.
Coding change: c.776C>T on transcript NM_004369.4 (MANE Select); coding-DNA position 776, C replaced by T.
Protein change: p.Ala259Val; replaces alanine 259 with valine.
Molecular consequence: missense variant. On other transcripts: intron variant (2).
Genome position (GRCh38, 1-based): chr2:237,388,118, G>A on the plus strand (C>T on the coding strand, the complement: COL6A3 is on the minus strand). VCF-style: chr2-237388118-G-A. GRCh37 (hg19) VCF-style: chr2-238296761-G-A.
Other names: p.Ala259Val; c.158C>T, p.Ala53Val (NM_057165.5, NM_057167.4); c.92-6619C>T (NM_057166.5, NM_057164.5); short protein forms A259V, A53V.
Identifiers: ClinVar variation 285050 (VCV000285050.59), dbSNP rs149924028, ClinGen allele CA2189778.